The following is an entry in ClinVar:

ClinVar aggregate classification (germline): Pathogenic. Review status: criteria provided, single submitter (1 of 4 stars). 3 submissions from 3 submitters: Pathogenic (1). 2 of the submissions do not count toward it. Last evaluated 2022-07-19.

Conditions:
Familial long QT syndrome (RWS). Also called: Romano-Ward syndrome; VENTRICULAR FIBRILLATION WITH PROLONGED QT INTERVAL; Congenital long QT syndrome. Identifiers: Orphanet 768, MedGen C1141890, MONDO:0019171.
Andersen Tawil syndrome (LQT7). Also called: Potassium-sensitive periodic paralysis, ventricular ectopy, and dysmorphic features; Andersen Syndrome; ANDERSEN CARDIODYSRHYTHMIC PERIODIC PARALYSIS; PERIODIC PARALYSIS, POTASSIUM-SENSITIVE CARDIODYSRHYTHMIC TYPE; LONG QT SYNDROME 7. Identifiers: Orphanet 37553, MedGen C1563715, MONDO:0008222, OMIM 170390.
Short QT syndrome type 3. Identifiers: Orphanet 51083, MedGen C1865018, MONDO:0012314, OMIM 609622.

Submissions (3):

Labcorp Genetics (formerly Invitae), Labcorp
Classification: Pathogenic for Short QT syndrome type 3; Andersen Tawil syndrome. Last evaluated: 2022-07-19. Review status: criteria provided, single submitter. Criteria: Invitae Variant Classification Sherloc (09022015). Collection method: clinical testing. Allele origin: germline.
Comment: For these reasons, this variant has been classified as Pathogenic. Experimental studies have shown that this missense change affects KCNJ2 function (PMID: 12163457, 12909315, 14522976, 22002906). Algorithms developed to predict the effect of missense changes on protein structure and function (SIFT, PolyPhen-2, Align-GVGD) all suggest that this variant is likely to be disruptive. ClinVar contains an entry for this variant (Variation ID: 8918). This missense change has been observed in individuals with Andersen-Tawil syndrome (PMID: 11371347, 24861851). It has also been observed to segregate with disease in related individuals. This variant is not present in population databases (gnomAD no frequency). This sequence change replaces aspartic acid, which is acidic and polar, with valine, which is neutral and non-polar, at codon 71 of the KCNJ2 protein (p.Asp71Val).

OMIM
Classification: Pathogenic for ANDERSEN CARDIODYSRHYTHMIC PERIODIC PARALYSIS. Last evaluated: 2001-05-18. Review status: no assertion criteria provided. Collection method: literature only. Allele origin: germline. Not counted in ClinVar's aggregate classification.

Cardiovascular Biomedical Research Unit, Royal Brompton & Harefield NHS Foundation Trust
No classification provided. Condition: Familial long QT syndrome. Review status: no classification provided. Collection method: literature only. Allele origin: germline. Not counted in ClinVar's aggregate classification.
Comment: This variant has been reported in the following publications (PMID:11371347;PMID:12163457;PMID:22002906).

Literature cited by the submitters: PubMed 12163457 (cited by Labcorp Genetics (formerly Invitae), Labcorp and Cardiovascular Biomedical Research Unit, Royal Brompton & Harefield NHS Foundation Trust); PubMed 12909315 (cited by Labcorp Genetics (formerly Invitae), Labcorp); PubMed 14522976 (cited by Labcorp Genetics (formerly Invitae), Labcorp); PubMed 22002906 (cited by Labcorp Genetics (formerly Invitae), Labcorp and Cardiovascular Biomedical Research Unit, Royal Brompton & Harefield NHS Foundation Trust); PubMed 11371347 (cited by 3 submitters); PubMed 24861851 (cited by Labcorp Genetics (formerly Invitae), Labcorp); PubMed 22581653 (cited by Cardiovascular Biomedical Research Unit, Royal Brompton & Harefield NHS Foundation Trust).

NM_000891.3(KCNJ2):c.212A>T (p.Asp71Val)

Gene: KCNJ2 (potassium inwardly rectifying channel subfamily J member 2; plus strand). Cytogenetic location: 17q24.3.
Variant type: single nucleotide variant.
Coding change: c.212A>T on transcript NM_000891.3 (MANE Select); coding-DNA position 212, A replaced by T.
Protein change: p.Asp71Val; replaces aspartic acid 71 with valine.
Molecular consequence: missense variant.
Genome position (GRCh38, 1-based): chr17:70,175,251, A>T. VCF-style: chr17-70175251-A-T. GRCh37 (hg19) VCF-style: chr17-68171392-A-T.
Other names: c.212A>T (LRG_328t1); short protein forms D71V.
Identifiers: ClinVar variation 8918 (VCV000008918.8), dbSNP rs104894575, ClinGen allele CA254592.